The following is an entry in ClinVar:

NM_000222.3(KIT):c.2402C>G (p.Thr801Ser)

Gene: KIT (KIT proto-oncogene, receptor tyrosine kinase; plus strand). Cytogenetic location: 4q12.
Variant type: single nucleotide variant.
Coding change: c.2402C>G on transcript NM_000222.3 (MANE Select); coding-DNA position 2402, C replaced by G.
Protein change: p.Thr801Ser; replaces threonine 801 with serine.
Molecular consequence: missense variant.
Genome position (GRCh38, 1-based): chr4:54,733,110, C>G. VCF-style: chr4-54733110-C-G. GRCh37 (hg19) VCF-style: chr4-55599276-C-G.
Other names: c.2390C>G, p.Thr797Ser (NM_001093772.2, NM_001385292.1); c.2405C>G, p.Thr802Ser (NM_001385284.1); c.2399C>G, p.Thr800Ser (NM_001385285.1); c.2387C>G, p.Thr796Ser (NM_001385286.1); c.2393C>G, p.Thr798Ser (NM_001385288.1); c.2402C>G, p.Thr801Ser (NM_001385290.1); short protein forms T798S, T801S, T802S, T797S, T796S, T800S.
Identifiers: ClinVar variation 5023344 (VCV005023344.1).

ClinVar aggregate classification (germline): Uncertain significance (1 of 4 stars; one submission).

Conditions:
Hereditary cancer-predisposing syndrome. Also called: Neoplastic Syndromes, Hereditary; Tumor predisposition; Hereditary neoplastic syndrome; Hereditary Cancer Syndrome. Identifiers: Orphanet 140162, MedGen C0027672, MeSH D009386, MONDO:0015356.

Submission:

Ambry Genetics
Classification: Uncertain significance for Hereditary cancer-predisposing syndrome. Last evaluated: 2026-09-04. Review status: criteria provided, single submitter. Criteria: Ambry Variant Classification Scheme 2023. Collection method: clinical testing. Allele origin: germline.
Comment: The p.T801S variant (also known as c.2402C>G), located in coding exon 17 of the KIT gene, results from a C to G substitution at nucleotide position 2402. The threonine at codon 801 is replaced by serine, an amino acid with similar properties. This amino acid position is conserved. In addition, the in silico prediction for this alteration is inconclusive. Based on the available evidence, the clinical significance of this variant remains unclear.